The following is an entry in ClinVar:

ClinVar aggregate classification (germline): Uncertain significance (1 of 4 stars; one submission).

Conditions:
Autosomal recessive limb-girdle muscular dystrophy type 2J (LGMDR10). Also called: Limb-girdle muscular dystrophy, type 2J; MUSCULAR DYSTROPHY, LIMB-GIRDLE, AUTOSOMAL RECESSIVE 10. Identifiers: Orphanet 140922, MedGen C1837342, MONDO:0012127, OMIM 608807.
Dilated cardiomyopathy 1G (CMD1G). Identifiers: Orphanet 154, MedGen C1858763, MONDO:0011400, OMIM 604145.

Submission:

Labcorp Genetics (formerly Invitae), Labcorp
Classification: Uncertain significance for Dilated cardiomyopathy 1G; Autosomal recessive limb-girdle muscular dystrophy type 2J. Last evaluated: 2024-02-08. Review status: criteria provided, single submitter. Criteria: Invitae Variant Classification Sherloc (09022015). Collection method: clinical testing. Allele origin: germline.
Comment: This sequence change replaces valine, which is neutral and non-polar, with leucine, which is neutral and non-polar, at codon 34519 of the TTN protein (p.Val34519Leu). This variant is not present in population databases (gnomAD no frequency). This variant has not been reported in the literature in individuals affected with TTN-related conditions. Experimental studies and prediction algorithms are not available or were not evaluated, and the functional significance of this variant is currently unknown. This variant is located in the M band of TTN (PMID: 25589632). Non-truncating variants in this region may be relevant for neuromuscular disorders, but have not been definitively shown to cause cardiomyopathy (PMID: 23975875). In summary, the available evidence is currently insufficient to determine the role of this variant in disease. Therefore, it has been classified as a Variant of Uncertain Significance.

Literature cited by the submitters: PubMed 25589632; PubMed 23975875.

NM_001267550.2(TTN):c.103555G>C (p.Val34519Leu)

Genes: TTN (titin; minus strand), TTN-AS1 (TTN antisense RNA 1; plus strand). Cytogenetic location: 2q31.2.
Variant type: single nucleotide variant.
Coding change: c.103555G>C on transcript NM_001267550.2 (MANE Select); coding-DNA position 103555, G replaced by C.
Protein change: p.Val34519Leu; replaces valine 34519 with leucine.
Molecular consequence: missense variant.
Genome position (GRCh38, 1-based): chr2:178,533,060, C>G on the plus strand (G>C on the coding strand, the complement: TTN is on the minus strand). VCF-style: chr2-178533060-C-G. GRCh37 (hg19) VCF-style: chr2-179397787-C-G.
Other names: c.98632G>C, p.Val32878Leu (NM_001256850.1); c.76360G>C, p.Val25454Leu (NM_003319.4); c.95851G>C, p.Val31951Leu (NM_133378.4); c.76735G>C, p.Val25579Leu (NM_133432.3); c.76936G>C, p.Val25646Leu (NM_133437.4); short protein forms V25454L, V25579L, V25646L, V31951L, V32878L, V34519L.
Identifiers: ClinVar variation 3754493 (VCV003754493.2).